The following is an entry in ClinVar:

ClinVar aggregate classification (germline): Uncertain significance (1 of 4 stars; one submission).

gnomAD v4.1: 5 of 1,570,172 alleles (0.00032%); highest among the groups gnomAD compares: Non-Finnish European, 0.00043%; no homozygotes.

Submission:

Labcorp Genetics (formerly Invitae), Labcorp
Classification: Uncertain significance. Last evaluated: 2024-09-14. Review status: criteria provided, single submitter. Criteria: Invitae Variant Classification Sherloc (09022015). Collection method: clinical testing. Allele origin: germline.
Comment: This sequence change affects codon 74 of the THBD mRNA. It is a 'silent' change, meaning that it does not change the encoded amino acid sequence of the THBD protein. The frequency data for this variant in the population databases is considered unreliable, as metrics indicate poor data quality at this position in the gnomAD database. This variant has not been reported in the literature in individuals affected with THBD-related conditions. In summary, the available evidence is currently insufficient to determine the role of this variant in disease. Therefore, it has been classified as a Variant of Uncertain Significance.

NM_000361.3(THBD):c.220C>T (p.Leu74=)

Gene: THBD (thrombomodulin; minus strand). Cytogenetic location: 20p11.21.
Variant type: single nucleotide variant.
Coding change: c.220C>T on transcript NM_000361.3 (MANE Select); coding-DNA position 220, C replaced by T.
Protein change: p.Leu74=; no amino-acid change (leucine 74 retained).
Molecular consequence: synonymous variant.
Genome position (GRCh38, 1-based): chr20:23,049,285, G>A on the plus strand (C>T on the coding strand, the complement: THBD is on the minus strand). VCF-style: chr20-23049285-G-A. GRCh37 (hg19) VCF-style: chr20-23029922-G-A.
Identifiers: ClinVar variation 3672325 (VCV003672325.2).